The following is an entry in ClinVar:

NM_000548.5(TSC2):c.3319_3320delinsCT (p.Glu1107Leu)

Gene: TSC2 (TSC complex subunit 2; plus strand). Cytogenetic location: 16p13.3.
Variant type: Indel.
Coding change: c.3319_3320delinsCT on transcript NM_000548.5 (MANE Select); coding-DNA positions 3319 to 3320, GA replaced by CT.
Protein change: p.Glu1107Leu; replaces glutamic acid 1107 with leucine.
Molecular consequence: missense variant.
Genome position (GRCh38, 1-based): chr16:2,079,591-2,079,592, GA replaced by CT. VCF-style: chr16-2079591-GA-CT. GRCh37 (hg19) VCF-style: chr16-2129592-GA-CT.
Other names: c.3187_3188delinsCT, p.Glu1063Leu (NM_001077183.3, NM_001370404.1); c.3319_3320delinsCT, p.Glu1107Leu (NM_001114382.3); c.3079_3080delinsCT, p.Glu1027Leu (NM_001318827.2); c.3043_3044delinsCT, p.Glu1015Leu (NM_001318829.2); c.2587_2588delinsCT, p.Glu863Leu (NM_001318831.2); c.3220_3221delinsCT, p.Glu1074Leu (NM_001318832.2); c.3190_3191delinsCT, p.Glu1064Leu (NM_001363528.2, NM_001370405.1, NM_021055.3); short protein forms E1063L, E863L, E1015L, E1027L, E1064L, E1074L, E1107L.
Identifiers: ClinVar variation 650826 (VCV000650826.7), dbSNP rs1596385905, ClinGen allele CA915946294.

ClinVar aggregate classification (germline): Uncertain significance (1 of 4 stars; one submission).

Conditions:
Tuberous sclerosis 2 (TSC2). Identifiers: Orphanet 805, MedGen C1860707, MONDO:0013199, OMIM 613254.

Submission:

Labcorp Genetics (formerly Invitae), Labcorp
Classification: Uncertain significance for Tuberous sclerosis 2. Last evaluated: 2018-12-15. Review status: criteria provided, single submitter. Criteria: Invitae Variant Classification Sherloc (09022015). Collection method: clinical testing. Allele origin: germline.
Comment: In summary, the available evidence is currently insufficient to determine the role of this variant in disease. Therefore, it has been classified as a Variant of Uncertain Significance. Algorithms developed to predict the effect of missense changes on protein structure and function are either unavailable or do not agree on the potential impact of this missense change (SIFT: "Tolerated"; PolyPhen-2: "Probably Damaging"; Align-GVGD: "Class C0"). This variant has not been reported in the literature in individuals with TSC2-related conditions. This variant is not present in population databases (ExAC no frequency). This sequence change replaces glutamic acid with leucine at codon 1107 of the TSC2 protein (p.Glu1107Leu). The glutamic acid residue is highly conserved and there is a moderate physicochemical difference between glutamic acid and leucine.